The following is an entry in ClinVar:

NM_003579.4(RAD54L):c.275C>T (p.Pro92Leu)

Gene: RAD54L (RAD54 like; plus strand). Cytogenetic location: 1p34.1.
Variant type: single nucleotide variant.
Coding change: c.275C>T on transcript NM_003579.4 (MANE Select); coding-DNA position 275, C replaced by T.
Protein change: p.Pro92Leu; replaces proline 92 with leucine.
Molecular consequence: missense variant. On other transcripts: 5 prime UTR variant (1).
Genome position (GRCh38, 1-based): chr1:46,259,967, C>T. VCF-style: chr1-46259967-C-T. GRCh37 (hg19) VCF-style: chr1-46725639-C-T.
Other names: c.275C>T, p.Pro92Leu (NM_001142548.2); c.-266C>T (NM_001370766.1); short protein forms P92L.
Identifiers: ClinVar variation 2562797 (VCV002562797.2), dbSNP rs774337754, ClinGen allele CA834202.

ClinVar aggregate classification (germline): Uncertain significance (1 of 4 stars; one submission).

Allele frequency attached by ClinVar (database versions not stated): ExAC 0.00001; gnomAD 0.00001; TOPMed 0.00001.
gnomAD v4.1: 1 of 1,613,954 alleles (0.000062%); highest among the groups gnomAD compares: African/African-American, 0.0013%; no homozygotes.

Submission:

Ambry Genetics
Classification: Uncertain significance. Last evaluated: 2023-04-24. Review status: criteria provided, single submitter. Criteria: Ambry Variant Classification Scheme 2023. Collection method: clinical testing. Allele origin: germline.
Comment: The p.P92L variant (also known as c.275C>T), located in coding exon 5 of the RAD54L gene, results from a C to T substitution at nucleotide position 275. The proline at codon 92 is replaced by leucine, an amino acid with similar properties. This amino acid position is conserved. In addition, this alteration is predicted to be tolerated by in silico analysis. Since supporting evidence is limited at this time, the clinical significance of this alteration remains unclear.